The following is an entry in ClinVar:

ClinVar aggregate classification (germline): Pathogenic (0 of 4 stars; one submission).

Conditions:
Fanconi anemia complementation group D2. Also called: FANCD2-Related Fanconi Anemia; FANCONI PANCYTOPENIA, TYPE 4; FANCONI ANEMIA, COMPLEMENTATION GROUP D. Identifiers: Orphanet 84, MedGen C3160738, MONDO:0009214, OMIM 227646.

Submission:

Leiden Open Variation Database
Classification: Pathogenic for Fanconi anemia complementation group D2. Last evaluated: 2020-02-28. Review status: no assertion criteria provided. Collection method: curation. Allele origin: germline. Affected: yes.
Comment: Curator: Arleen D. Auerbach. Submitter to LOVD: Arleen D. Auerbach.

Literature cited by the submitters: PubMed 17436244.

NM_001018115.3(FANCD2):c.1414-69_1545+258del

Genes: FANCD2 (FA complementation group D2; plus strand), LOC107303338 (3p25 FANCD2 Alu-mediated recombination region; plus strand). Cytogenetic location: 3p25.3.
Variant type: Deletion.
Coding change: c.1414-69_1545+258del on transcript NM_001018115.3 (MANE Select); 69 bases into the intron before coding-DNA position 1414 through 258 bases into the intron after coding-DNA position 1545, 459 bases deleted.
Molecular consequence: splice acceptor variant, splice donor variant.
Genome position (GRCh38, 1-based): chr3:10,049,305-10,049,763, 459 bases deleted. GRCh37 (hg19): chr3:10,090,989-10,091,447.
Other names: c.1414-69_1545+258del (NM_001319984.2, NM_001374253.1, NM_033084.6 and 1 more transcripts).
Identifiers: ClinVar variation 929656 (VCV000929656.1), dbSNP rs2087125303, ClinGen allele CA1139657882.